The following is an entry in ClinVar:

NM_182961.4(SYNE1):c.24959G>A (p.Gly8320Glu)

Gene: SYNE1 (spectrin repeat containing nuclear envelope protein 1; minus strand). Cytogenetic location: 6q25.2.
Variant type: single nucleotide variant.
Coding change: c.24959G>A on transcript NM_182961.4 (MANE Select); coding-DNA position 24959, G replaced by A.
Protein change: p.Gly8320Glu; replaces glycine 8320 with glutamic acid.
Molecular consequence: missense variant.
Genome position (GRCh38, 1-based): chr6:152,148,062, C>T on the plus strand (G>A on the coding strand, the complement: SYNE1 is on the minus strand). VCF-style: chr6-152148062-C-T. GRCh37 (hg19) VCF-style: chr6-152469197-C-T.
Other names: c.1565G>A, p.Gly522Glu (NM_001347701.2); c.1424G>A, p.Gly475Glu (NM_001347702.2); c.24746G>A, p.Gly8249Glu (NM_033071.5); short protein forms G522E, G8320E, G475E, G8249E.
Identifiers: ClinVar variation 653021 (VCV000653021.10), dbSNP rs748328529, ClinGen allele CA4053039.

ClinVar aggregate classification (germline): Uncertain significance. Review status: criteria provided, multiple submitters, no conflicts (2 of 4 stars). 3 submissions from 3 submitters: Uncertain significance (3). Last evaluated 2025-03-25.

Conditions:
Emery-Dreifuss muscular dystrophy 4, autosomal dominant (EDMD4). Also called: EMERY-DREIFUSS MUSCULAR DYSTROPHY 4 WITH VARIABLE FEATURES. Identifiers: Orphanet 261, MedGen C2751807, MONDO:0013071, OMIM 612998.
Autosomal recessive ataxia, Beauce type. Also called: Spinocerebellar ataxia, autosomal recessive 8; ATAXIA, RECESSIVE, OF BEAUCE; SYNE1-Related Autosomal Recessive Cerebellar Ataxia; SYNE1 Deficiency. Identifiers: Orphanet 88644, MedGen C1853116, MONDO:0012549, OMIM 610743.

Allele frequency attached by ClinVar (database versions not stated): gnomAD exomes below 0.00001 and 0.00002; ExAC 0.00002; gnomAD 0.00002 and 0.00003; TOPMed 0.00003.
gnomAD v4.1: 18 of 1,613,916 alleles (0.0011%); highest among the groups gnomAD compares: East Asian, 0.0067%; no homozygotes.

Submissions (3):

Revvity Omics, Revvity
Classification: Uncertain significance. Last evaluated: 2025-03-25. Review status: criteria provided, single submitter. Criteria: ACMG Guidelines, 2015. Collection method: clinical testing. Allele origin: germline.

Labcorp Genetics (formerly Invitae), Labcorp
Classification: Uncertain significance for Emery-Dreifuss muscular dystrophy 4, autosomal dominant; Autosomal recessive ataxia, Beauce type. Last evaluated: 2025-01-06. Review status: criteria provided, single submitter. Criteria: Invitae Variant Classification Sherloc (09022015). Collection method: clinical testing. Allele origin: germline.
Comment: This sequence change replaces glycine, which is neutral and non-polar, with glutamic acid, which is acidic and polar, at codon 8249 of the SYNE1 protein (p.Gly8249Glu). This variant is present in population databases (rs748328529, gnomAD 0.02%). This variant has not been reported in the literature in individuals affected with SYNE1-related conditions. ClinVar contains an entry for this variant (Variation ID: 653021). An algorithm developed to predict the effect of missense changes on protein structure and function (PolyPhen-2) suggests that this variant is likely to be disruptive. In summary, the available evidence is currently insufficient to determine the role of this variant in disease. Therefore, it has been classified as a Variant of Uncertain Significance.

Athena Diagnostics
Classification: Uncertain significance. Last evaluated: 2020-01-06. Review status: criteria provided, single submitter. Criteria: Athena Diagnostics Criteria. Collection method: clinical testing. Allele origin: unknown.